The following is an entry in ClinVar:

ClinVar aggregate classification (germline): Uncertain significance (1 of 4 stars; one submission).

Submission:

Labcorp Genetics (formerly Invitae), Labcorp
Classification: Uncertain significance. Last evaluated: 2024-05-19. Review status: criteria provided, single submitter. Criteria: Invitae Variant Classification Sherloc (09022015). Collection method: clinical testing. Allele origin: germline.
Comment: This variant, c.3128_3130del, results in the deletion of 1 amino acid(s) of the NIN protein (p.Glu1043del), but otherwise preserves the integrity of the reading frame. This variant is not present in population databases (gnomAD no frequency). This variant has not been reported in the literature in individuals affected with NIN-related conditions. Experimental studies and prediction algorithms are not available or were not evaluated, and the functional significance of this variant is currently unknown. In summary, the available evidence is currently insufficient to determine the role of this variant in disease. Therefore, it has been classified as a Variant of Uncertain Significance.

NM_020921.4(NIN):c.3122AGG[2] (p.Glu1043del)

Gene: NIN (ninein; minus strand). Cytogenetic location: 14q22.1.
Variant type: Microsatellite.
Coding change: c.3122AGG[2] on transcript NM_020921.4 (MANE Select); two copies in a row of the 3-base unit AGG starting at c.3122; the reference has three copies in a row; one copy, 3 bases deleted.
Protein change: p.Glu1043del; deletes glutamic acid 1043.
Molecular consequence: intron variant (on NM_016350.5).
Genome position (GRCh38, 1-based): chr14:50,757,900-50,757,902, CCT deleted on the plus strand (AGG on the coding strand, the reverse complement: NIN is on the minus strand); deleting any 3 consecutive bases within chr14:50,757,900-50,757,909 gives the same sequence; the position shown is the placement nearest the transcript's 3' end. VCF-style (leftmost placement, unchanged base first): chr14-50757899-ACCT-A. GRCh37 (hg19) VCF-style: chr14-51224617-ACCT-A.
Other names: c.3122AGG[2], p.Glu1043del (NM_182944.3, NM_182946.2); c.2399+1949AGG[2] (NM_016350.5); short protein forms E1043del.
Identifiers: ClinVar variation 3692748 (VCV003692748.2).